The following is an entry in ClinVar:

NM_182914.3(SYNE2):c.7642G>A (p.Val2548Ile)

Gene: SYNE2 (spectrin repeat containing nuclear envelope protein 2; plus strand). Cytogenetic location: 14q23.2.
Variant type: single nucleotide variant.
Coding change: c.7642G>A on transcript NM_182914.3 (MANE Select); coding-DNA position 7642, G replaced by A.
Protein change: p.Val2548Ile; replaces valine 2548 with isoleucine.
Molecular consequence: missense variant.
Genome position (GRCh38, 1-based): chr14:64,049,875, G>A. VCF-style: chr14-64049875-G-A. GRCh37 (hg19) VCF-style: chr14-64516593-G-A.
Other names: c.7642G>A, p.Val2548Ile (NM_015180.6); short protein forms V2548I.
Identifiers: ClinVar variation 2457248 (VCV002457248.5), dbSNP rs1370780963, ClinGen allele CA389960084.

ClinVar aggregate classification (germline): Uncertain significance. Review status: criteria provided, multiple submitters, no conflicts (2 of 4 stars). 2 submissions from 2 submitters: Uncertain significance (2). Last evaluated 2024-05-20.

Conditions:
Emery-Dreifuss muscular dystrophy 5, autosomal dominant (EDMD5). Also called: EMERY-DREIFUSS MUSCULAR DYSTROPHY 5. Identifiers: Orphanet 261, MedGen C2751805, MONDO:0013072, OMIM 612999.

Allele frequency attached by ClinVar (database versions not stated): gnomAD exomes 0.00001.
gnomAD v4.1: 6 of 1,613,854 alleles (0.00037%); highest among the groups gnomAD compares: Admixed American, 0.0083%; no homozygotes.

Submissions (2):

Labcorp Genetics (formerly Invitae), Labcorp
Classification: Uncertain significance for Emery-Dreifuss muscular dystrophy 5, autosomal dominant. Last evaluated: 2024-05-20. Review status: criteria provided, single submitter. Criteria: Invitae Variant Classification Sherloc (09022015). Collection method: clinical testing. Allele origin: germline.
Comment: This sequence change replaces valine, which is neutral and non-polar, with isoleucine, which is neutral and non-polar, at codon 2548 of the SYNE2 protein (p.Val2548Ile). This variant is present in population databases (no rsID available, gnomAD 0.01%). This variant has not been reported in the literature in individuals affected with SYNE2-related conditions. ClinVar contains an entry for this variant (Variation ID: 2457248). Algorithms developed to predict the effect of missense changes on protein structure and function output the following: SIFT: "Not Available"; PolyPhen-2: "Benign"; Align-GVGD: "Not Available". The isoleucine amino acid residue is found in multiple mammalian species, which suggests that this missense change does not adversely affect protein function. In summary, the available evidence is currently insufficient to determine the role of this variant in disease. Therefore, it has been classified as a Variant of Uncertain Significance.

Ambry Genetics
Classification: Uncertain significance. Last evaluated: 2023-01-26. Review status: criteria provided, single submitter. Criteria: Ambry Variant Classification Scheme 2023. Collection method: clinical testing. Allele origin: germline.